The following is an entry in ClinVar:

NM_001042750.2(STAG2):c.2176C>T (p.Pro726Ser)

Gene: STAG2 (STAG2 cohesin complex component; plus strand). Cytogenetic location: Xq25.
Variant type: single nucleotide variant.
Coding change: c.2176C>T on transcript NM_001042750.2 (MANE Select); coding-DNA position 2176, C replaced by T.
Protein change: p.Pro726Ser; replaces proline 726 with serine.
Molecular consequence: missense variant.
Genome position (GRCh38, 1-based): chrX:124,066,254, C>T. VCF-style: chrX-124066254-C-T. GRCh37 (hg19) VCF-style: chrX-123200104-C-T.
Other names: c.2176C>T, p.Pro726Ser (NM_001042749.2, NM_001042751.2, NM_001282418.2 and 13 more transcripts); short protein forms P726S.
Identifiers: ClinVar variation 2442754 (VCV002442754.4), dbSNP rs138155911, ClinGen allele CA335279596.

ClinVar aggregate classification (germline): Uncertain significance. Review status: criteria provided, multiple submitters, no conflicts (2 of 4 stars). 2 submissions from 2 submitters: Uncertain significance (2). Last evaluated 2023-04-15.

Allele frequency attached by ClinVar (database versions not stated): gnomAD 0.00002; ESP Exome Variant Server 0.00009.
gnomAD v4.1: 2 of 1,190,620 alleles (0.00017%); highest among the groups gnomAD compares: African/African-American, 0.0037%; no homozygotes.

Submissions (2):

Labcorp Genetics (formerly Invitae), Labcorp
Classification: Uncertain significance. Last evaluated: 2023-04-15. Review status: criteria provided, single submitter. Criteria: Invitae Variant Classification Sherloc (09022015). Collection method: clinical testing. Allele origin: germline.
Comment: In summary, the available evidence is currently insufficient to determine the role of this variant in disease. Therefore, it has been classified as a Variant of Uncertain Significance. Advanced modeling of protein sequence and biophysical properties (such as structural, functional, and spatial information, amino acid conservation, physicochemical variation, residue mobility, and thermodynamic stability) performed at Invitae indicates that this missense variant is not expected to disrupt STAG2 protein function. ClinVar contains an entry for this variant (Variation ID: 2442754). This variant has not been reported in the literature in individuals affected with STAG2-related conditions. This variant is not present in population databases (gnomAD no frequency). This sequence change replaces proline, which is neutral and non-polar, with serine, which is neutral and polar, at codon 726 of the STAG2 protein (p.Pro726Ser).

GeneDx
Classification: Uncertain significance. Last evaluated: 2022-08-31. Review status: criteria provided, single submitter. Criteria: GeneDx Variant Classification Process June 2021. Collection method: clinical testing. Allele origin: germline. Affected: yes.
Comment: Not observed at significant frequency in large population cohorts (gnomAD); In silico analysis supports that this missense variant has a deleterious effect on protein structure/function; Has not been previously published as pathogenic or benign to our knowledge